The following is an entry in ClinVar:

ClinVar aggregate classification (germline): Likely pathogenic (1 of 4 stars; one submission).

Conditions:
Deficiency of adenosine deaminase 2. Also called: VASCULITIS, AUTOINFLAMMATION, IMMUNODEFICIENCY, AND HEMATOLOGIC DEFECTS SYNDROME; Polyarteritis nodosa, childhoood-onset; Adenosine Deaminase 2 Deficiency. Identifiers: Orphanet 404553, MedGen C3887654, MONDO:0014306, OMIM 615688, MONDO:0100317.

Allele frequency attached by ClinVar (database versions not stated): TOPMed below 0.00001; gnomAD exomes 0.00001.
gnomAD v4.1: 9 of 1,613,154 alleles (0.00056%); highest among the groups gnomAD compares: Non-Finnish European, 0.00076%; no homozygotes.

Submission:

Clinical Genomics Laboratory, Washington University in St. Louis
Classification: Likely pathogenic for Deficiency of adenosine deaminase 2. Last evaluated: 2023-08-14. Review status: criteria provided, single submitter. Criteria: ACMG Guidelines, 2015. Collection method: clinical testing. Allele origin: germline. Affected: yes.
Comment: The ADA2 c.369G>A (p.Trp123*) variant, to our knowledge, has not been reported in the medical literature and is only observed on 1/251,360 alleles in the general population (gnomAD v.2.1.1), indicating it is not a common variant. This variant causes a premature termination codon, which is predicted to lead to nonsense mediated decay. Additionally, other variants that introduce a premature termination codon have been described in affected individuals and are considered pathogenic (Hashem H et al., PMID: 28974505; Zhou Q et al., PMID: 24552284). Based on available information and the ACMG/AMP guidelines for variant interpretation (Richards S et al., PMID: 25741868), this variant is classified as likely pathogenic.

NM_001282225.2(ADA2):c.369G>A (p.Trp123Ter)

Gene: ADA2 (adenosine deaminase 2; minus strand). Cytogenetic location: 22q11.1.
Variant type: single nucleotide variant.
Coding change: c.369G>A on transcript NM_001282225.2 (MANE Select); coding-DNA position 369, G replaced by A.
Protein change: p.Trp123Ter; replaces tryptophan 123 with a stop codon.
Molecular consequence: nonsense.
Genome position (GRCh38, 1-based): chr22:17,207,244, C>T on the plus strand (G>A on the coding strand, the complement: ADA2 is on the minus strand). VCF-style: chr22-17207244-C-T. GRCh37 (hg19) VCF-style: chr22-17688134-C-T.
Other names: c.369G>A, p.Trp123Ter (NM_001282226.2); c.243G>A, p.Trp81Ter (NM_001282227.2, NM_001282228.2); c.9G>A, p.Trp3Ter (NM_001282229.2); short protein forms W123*, W3*, W81*.
Identifiers: ClinVar variation 2672204 (VCV002672204.1), dbSNP rs772909795, ClinGen allele CA321165191.
Genomic context (GRCh38, chr22:17,207,244, plus strand): 5'-GATCCCCCTTGGGGTGAAACAGATGTGGCAGTGAGGCCTGTAGGTGACATTCCTCACCAG[C>T]CAGTCCATAGTCACGATGCCAATGTCATGGAGGTGCAAGGCAGCCCCTGGAGAGGGAAGA-3'